The following is an entry in ClinVar:

NM_001289808.2(CRYAB):c.170C>T (p.Ala57Val)

Gene: CRYAB (crystallin alpha B; minus strand). Cytogenetic location: 11q23.1.
Variant type: single nucleotide variant.
Coding change: c.170C>T on transcript NM_001289808.2 (MANE Select); coding-DNA position 170, C replaced by T.
Protein change: p.Ala57Val; replaces alanine 57 with valine.
Molecular consequence: missense variant.
Genome position (GRCh38, 1-based): chr11:111,911,555, G>A on the plus strand (C>T on the coding strand, the complement: CRYAB is on the minus strand). VCF-style: chr11-111911555-G-A. GRCh37 (hg19) VCF-style: chr11-111782279-G-A.
Other names: c.170C>T, p.Ala57Val (NM_001289807.1, NM_001368245.1, NM_001885.3); short protein forms A57V.
Identifiers: ClinVar variation 4713896 (VCV004713896.1).

ClinVar aggregate classification (germline): Uncertain significance (1 of 4 stars; one submission).

Conditions:
Dilated cardiomyopathy 1II (CMD1II). Identifiers: Orphanet 154, MedGen C3554649, MONDO:0014073, OMIM 615184.

Submission:

Labcorp Genetics (formerly Invitae), Labcorp
Classification: Uncertain significance for Dilated cardiomyopathy 1II. Last evaluated: 2025-05-27. Review status: criteria provided, single submitter. Criteria: Invitae Variant Classification Sherloc (09022015). Collection method: clinical testing. Allele origin: germline.
Comment: This sequence change replaces alanine, which is neutral and non-polar, with valine, which is neutral and non-polar, at codon 57 of the CRYAB protein (p.Ala57Val). This variant is not present in population databases (gnomAD no frequency). This variant has not been reported in the literature in individuals affected with CRYAB-related conditions. An algorithm developed to predict the effect of missense changes on protein structure and function (PolyPhen-2) suggests that this variant is likely to be tolerated. In summary, the available evidence is currently insufficient to determine the role of this variant in disease. Therefore, it has been classified as a Variant of Uncertain Significance.